The following is an entry in ClinVar:

ClinVar aggregate classification (germline): Uncertain significance (1 of 4 stars; one submission).

Allele frequency attached by ClinVar (database versions not stated): gnomAD exomes 0.00002; gnomAD 0.00003; TOPMed 0.00003; 1000 Genomes Project 30x 0.00031; 1000 Genomes Project 0.00040.
gnomAD v4.1: 32 of 1,613,958 alleles (0.002%); highest among the groups gnomAD compares: East Asian, 0.06%; no homozygotes.

Submission:

Labcorp Genetics (formerly Invitae), Labcorp
Classification: Uncertain significance. Last evaluated: 2024-03-19. Review status: criteria provided, single submitter. Criteria: Invitae Variant Classification Sherloc (09022015). Collection method: clinical testing. Allele origin: germline.
Comment: This sequence change replaces valine, which is neutral and non-polar, with alanine, which is neutral and non-polar, at codon 4630 of the HMCN1 protein (p.Val4630Ala). This variant is present in population databases (rs527257408, gnomAD 0.07%). This variant has not been reported in the literature in individuals affected with HMCN1-related conditions. ClinVar contains an entry for this variant (Variation ID: 2155345). Algorithms developed to predict the effect of missense changes on protein structure and function output the following: SIFT: "Not Available"; PolyPhen-2: "Benign"; Align-GVGD: "Not Available". The alanine amino acid residue is found in multiple mammalian species, which suggests that this missense change does not adversely affect protein function. In summary, the available evidence is currently insufficient to determine the role of this variant in disease. Therefore, it has been classified as a Variant of Uncertain Significance.

NM_031935.3(HMCN1):c.13889T>C (p.Val4630Ala)

Gene: HMCN1 (hemicentin 1; plus strand). Cytogenetic location: 1q31.1.
Variant type: single nucleotide variant.
Coding change: c.13889T>C on transcript NM_031935.3 (MANE Select); coding-DNA position 13889, T replaced by C.
Protein change: p.Val4630Ala; replaces valine 4630 with alanine.
Molecular consequence: missense variant.
Genome position (GRCh38, 1-based): chr1:186,137,937, T>C. VCF-style: chr1-186137937-T-C. GRCh37 (hg19) VCF-style: chr1-186107069-T-C.
Other names: short protein forms V4630A.
Identifiers: ClinVar variation 2155345 (VCV002155345.4), dbSNP rs527257408, ClinGen allele CA1294788.